The following is an entry in ClinVar:

NM_004247.4(EFTUD2):c.1861-14C>T

Gene: EFTUD2 (elongation factor Tu GTP binding domain containing 2; minus strand). Cytogenetic location: 17q21.31.
Variant type: single nucleotide variant.
Coding change: c.1861-14C>T on transcript NM_004247.4 (MANE Select); 14 bases into the intron before coding-DNA position 1861, C replaced by T.
Molecular consequence: intron variant.
Genome position (GRCh38, 1-based): chr17:44,859,195, G>A on the plus strand (C>T on the coding strand, the complement: EFTUD2 is on the minus strand). VCF-style: chr17-44859195-G-A. GRCh37 (hg19) VCF-style: chr17-42936563-G-A.
Other names: c.1756-14C>T (NM_001142605.2); c.1831-14C>T (NM_001258354.2); c.1861-14C>T (NM_001258353.2).
Identifiers: ClinVar variation 2992553 (VCV002992553.4), dbSNP rs374713895, ClinGen allele CA8607656.
Genomic context (GRCh38, chr17:44,859,195, plus strand): 5'-TAGAGCTCCCCAGTGCCCAGGATCACATGCTCGCCAGACTCCTCCACCTGAAACACAACA[G>A]GCAGTCACAGCCTGGATTCTCTTATGCCAGCAAAGGCACACACAAACAAAATCAAGGCCA-3'

ClinVar aggregate classification (germline): Likely benign. Review status: criteria provided, multiple submitters, no conflicts (2 of 4 stars). 2 submissions from 2 submitters: Likely benign (2). Last evaluated 2026-06-19.

Allele frequency attached by ClinVar (database versions not stated): ExAC 0.00004; ESP Exome Variant Server 0.00015; TOPMed below 0.00001; gnomAD 0.00001; gnomAD exomes 0.00005.
gnomAD v4.1: 72 of 1,586,152 alleles (0.0045%); highest among the groups gnomAD compares: Non-Finnish European, 0.0061%; no homozygotes.

Submissions (2):

Women's Health and Genetics/Laboratory Corporation of America, LabCorp
Classification: Likely benign. Last evaluated: 2026-06-19. Review status: criteria provided, single submitter. Criteria: LabCorp Variant Classification Summary - May 2015. Collection method: clinical testing. Allele origin: germline.
Comment: Variant summary: EFTUD2 c.1861-14C>T alters a non-conserved nucleotide located at a position not widely known to affect splicing. Consensus agreement among computation tools predict no significant impact on normal splicing. However, these predictions have yet to be confirmed by functional studies. The variant allele was found at a frequency of 3.2e-05 in 250966 control chromosomes. The available data on variant occurrences in the general population are insufficient to allow any conclusion about variant significance. To our knowledge, no occurrence of c.1861-14C>T in individuals affected with EFTUD2-related conditions and no experimental evidence demonstrating its impact on protein function have been reported. ClinVar contains an entry for this variant (Variation ID: 2992553). Based on the evidence outlined above, the variant was classified as likely benign.

Labcorp Genetics (formerly Invitae), Labcorp
Classification: Likely benign. Last evaluated: 2023-06-15. Review status: criteria provided, single submitter. Criteria: Invitae Variant Classification Sherloc (09022015). Collection method: clinical testing. Allele origin: germline.